The following is an entry in ClinVar:

ClinVar aggregate classification (germline): Pathogenic (1 of 4 stars; one submission).

Submission:

Labcorp Genetics (formerly Invitae), Labcorp
Classification: Pathogenic. Last evaluated: 2020-12-31. Review status: criteria provided, single submitter. Criteria: Invitae Variant Classification Sherloc (09022015). Collection method: clinical testing. Allele origin: germline.
Comment: This variant is not present in population databases (ExAC no frequency). For these reasons, this variant has been classified as Pathogenic. This variant has not been reported in the literature in individuals with ATR-related conditions. This sequence change creates a premature translational stop signal (p.Lys866*) in the ATR gene. It is expected to result in an absent or disrupted protein product. Loss-of-function variants in ATR are known to be pathogenic (PMID: 21228398, 23144622).

Literature cited by the submitters: PubMed 21228398; PubMed 23144622.

NM_001184.4(ATR):c.2593_2594dup (p.Leu865_Lys866insTer)

Gene: ATR (ATR checkpoint kinase; minus strand). Cytogenetic location: 3q23.
Variant type: Duplication.
Coding change: c.2593_2594dup on transcript NM_001184.4 (MANE Select); coding-DNA positions 2593 to 2594, 2 bases duplicated (CT; older notation c.2593_2594dupCT).
Protein change: p.Leu865_Lys866insTer.
Molecular consequence: frameshift variant.
Genome position (GRCh38, 1-based): chr3:142,553,679-142,553,680, AG duplicated on the plus strand (CT on the coding strand, the reverse complement: ATR is on the minus strand). VCF-style (leftmost placement, unchanged base first): chr3-142553678-C-CAG. GRCh37 (hg19) VCF-style: chr3-142272520-C-CAG.
Other names: c.2401_2402dup, p.Leu801_Lys802insTer (NM_001354579.2).
Identifiers: ClinVar variation 1423837 (VCV001423837.6), dbSNP rs2108464344, ClinGen allele CA2573136619.
Genomic context (GRCh38, chr3:142,553,678, plus strand): 5'-ACACAAATGCTGCCAAGTATACCTTCCAATATCCCCTGTTGTAAGAATCAAGGTATCCTT[C>CAG]AGCTCATTATTTCTTGATATTTGGGCATGTGTATATGCTTCCTTCATTCTTAAGACAAAA-3'